The following is an entry in ClinVar:

ClinVar aggregate classification (germline): Pathogenic (1 of 4 stars; one submission).

Conditions:
Hereditary cancer-predisposing syndrome. Also called: Tumor predisposition; Neoplastic Syndromes, Hereditary; Hereditary Cancer Syndrome; Hereditary neoplastic syndrome. Identifiers: Orphanet 140162, MedGen C0027672, MeSH D009386, MONDO:0015356.

Submission:

Ambry Genetics
Classification: Pathogenic for Hereditary cancer-predisposing syndrome. Last evaluated: 2025-03-11. Review status: criteria provided, single submitter. Criteria: Ambry Variant Classification Scheme 2023. Collection method: clinical testing. Allele origin: germline.
Comment: The c.314_324del11 pathogenic mutation, located in coding exon 2 of the NTHL1 gene, results from a deletion of 11 nucleotides at nucleotide positions 314 to 324, causing a translational frameshift with a predicted alternate stop codon (p.K105Tfs*8). This variant is considered to be rare based on population cohorts in the Genome Aggregation Database (gnomAD). This alteration is expected to result in loss of function by premature protein truncation or nonsense-mediated mRNA decay. As such, this alteration is interpreted as a disease-causing mutation.

NM_002528.7(NTHL1):c.290_300del (p.Lys97fs)

Gene: NTHL1 (nth like DNA glycosylase 1; minus strand). Cytogenetic location: 16p13.3.
Variant type: Deletion.
Coding change: c.290_300del on transcript NM_002528.7 (MANE Select); coding-DNA positions 290 to 300, 11 bases deleted (AAAAGGATGCA).
Protein change: p.Lys97fs; shifts the reading frame from lysine 97.
Molecular consequence: frameshift variant. On other transcripts: intron variant (1).
Genome position (GRCh38, 1-based): chr16:2,046,182-2,046,192, TGCATCCTTTT deleted on the plus strand (AAAAGGATGCA on the coding strand, the reverse complement: NTHL1 is on the minus strand); deleting any 11 consecutive bases within chr16:2,046,182-2,046,194 gives the same sequence; the c. name uses the placement nearest the transcript's 3' end. VCF-style (leftmost placement, unchanged base first): chr16-2046181-GTGCATCCTTTT-G. GRCh37 (hg19) VCF-style: chr16-2096182-GTGCATCCTTTT-G.
Other names: c.290_300del, p.Lys97fs (NM_001318193.2); c.24+88_24+98del (NM_001318194.2); short protein forms K97fs.
Identifiers: ClinVar variation 3881364 (VCV003881364.1).